The following is an entry in ClinVar:

ClinVar aggregate classification (germline): Pathogenic. Review status: criteria provided, multiple submitters, no conflicts (2 of 4 stars). 3 submissions from 3 submitters: Pathogenic (2). 1 of the submissions does not count toward it. Last evaluated 2024-07-23.

Conditions:
Mevalonic aciduria (MEVA). Identifiers: Orphanet 29, MedGen C1959626, MONDO:0012481, OMIM 610377.
Porokeratosis 3, disseminated superficial actinic type (POROK3). Also called: POROKERATOSIS 3, MULTIPLE TYPES; POROKERATOSIS 3, MIBELLI TYPE; POROKERATOSIS, DISSEMINATED SUPERFICIAL ACTINIC, 1. Identifiers: MedGen C1867981, MONDO:0008293, OMIM 175900.
Hyperimmunoglobulin D with periodic fever (HIDS). Also called: HYPERIMMUNOGLOBULINEMIA D AND PERIODIC FEVER SYNDROME; Hyperimmunoglobulinemia D; Hyperimmunoglobulinemia D with periodic fever. Identifiers: Orphanet 343, MedGen C0398691, MONDO:0009849, OMIM 260920.

Allele frequency attached by ClinVar (database versions not stated): gnomAD 0.00003.
gnomAD v4.1: 1 of 1,614,126 alleles (0.000062%); highest among the groups gnomAD compares: East Asian, 0.0022%; no homozygotes.

Submissions (3):

Women's Health and Genetics/Laboratory Corporation of America, LabCorp
Classification: Pathogenic for Mevalonic aciduria. Last evaluated: 2024-07-23. Review status: criteria provided, single submitter. Criteria: LabCorp Variant Classification Summary - May 2015. Collection method: clinical testing. Allele origin: germline.
Comment: Variant summary: MVK c.790C>T (p.Leu264Phe) results in a non-conservative amino acid change in the encoded protein sequence. Four of five in-silico tools predict a damaging effect of the variant on protein function. The variant was absent in 251458 control chromosomes (gnomAD). c.790C>T has been reported in the literature in multiple individuals affected with Mevalonic aciduria (e.g. Hinson_1999, Houten_2001). These data indicate that the variant is very likely to be associated with disease. At least one publication reports experimental evidence evaluating an impact on protein function, finding that the variant results in a severe loss of protein expression and enzymatic activity (Hinson_1999). The following publications have been ascertained in the context of this evaluation (PMID: 10417275, 11313768). ClinVar contains an entry for this variant (Variation ID: 97625). Based on the evidence outlined above, the variant was classified as pathogenic.

Labcorp Genetics (formerly Invitae), Labcorp
Classification: Pathogenic for Mevalonic aciduria; Hyperimmunoglobulin D with periodic fever; Porokeratosis 3, disseminated superficial actinic type. Last evaluated: 2024-01-11. Review status: criteria provided, single submitter. Criteria: Invitae Variant Classification Sherloc (09022015). Collection method: clinical testing. Allele origin: germline.
Comment: This sequence change replaces leucine, which is neutral and non-polar, with phenylalanine, which is neutral and non-polar, at codon 264 of the MVK protein (p.Leu264Phe). This variant is present in population databases (rs104895315, gnomAD 0.06%). This missense change has been observed in individual(s) with clinical features of mevalonate kinase deficiency and mevalonate kinase deficiency (PMID: 10417275, 11313768, 19786432, 22038276, 22566169, 29047407). ClinVar contains an entry for this variant (Variation ID: 97625). Advanced modeling of protein sequence and biophysical properties (such as structural, functional, and spatial information, amino acid conservation, physicochemical variation, residue mobility, and thermodynamic stability) performed at Invitae indicates that this missense variant is not expected to disrupt MVK protein function with a negative predictive value of 80%. Experimental studies have shown that this missense change affects MVK function (PMID: 10417275). For these reasons, this variant has been classified as Pathogenic.

Unité médicale des maladies autoinflammatoires, CHRU Montpellier
No classification provided. Condition: Hyperimmunoglobulin D with periodic fever. Review status: no classification provided. Collection method: not provided. Allele origin: unknown. Not counted in ClinVar's aggregate classification.
Comment: also involved in OMIM 25117

Literature cited by the submitters: PubMed 10417275 (cited by Women's Health and Genetics/Laboratory Corporation of America, LabCorp and Labcorp Genetics (formerly Invitae), Labcorp); PubMed 11313768 (cited by Women's Health and Genetics/Laboratory Corporation of America, LabCorp and Labcorp Genetics (formerly Invitae), Labcorp); PubMed 19786432 (cited by Labcorp Genetics (formerly Invitae), Labcorp); PubMed 22038276 (cited by Labcorp Genetics (formerly Invitae), Labcorp); PubMed 22566169 (cited by Labcorp Genetics (formerly Invitae), Labcorp); PubMed 29047407 (cited by Labcorp Genetics (formerly Invitae), Labcorp).

NM_000431.4(MVK):c.790C>T (p.Leu264Phe)

Gene: MVK (mevalonate kinase; plus strand). Cytogenetic location: 12q24.11.
Variant type: single nucleotide variant.
Coding change: c.790C>T on transcript NM_000431.4 (MANE Select); coding-DNA position 790, C replaced by T.
Protein change: p.Leu264Phe; replaces leucine 264 with phenylalanine.
Molecular consequence: missense variant.
Genome position (GRCh38, 1-based): chr12:109,591,262, C>T. VCF-style: chr12-109591262-C-T. GRCh37 (hg19) VCF-style: chr12-110029067-C-T.
Other names: c.790C>T, p.Leu264Phe (NM_001114185.3); c.634C>T, p.Leu212Phe (NM_001301182.2); short protein forms L264F, L212F.
Identifiers: ClinVar variation 97625 (VCV000097625.10), dbSNP rs104895315, ClinGen allele CA149899.
Genomic context (GRCh38, chr12:109,591,262, plus strand): 5'-CCCCAGGCCTCACCAGCCGTTCCTTCTTTTTTTCTCCAGTTCCCAGAGATCGTGGCCCCC[C>T]TCCTGACCTCAATAGATGCCATCTCCCTGGAGTGTGAGCGCGTGCTGGGAGAGATGGGGG-3'
Protein context (NP_000422.1, residues 254-274): LLKFPEIVAP[Leu264Phe]LTSIDAISLE